The following is an entry in ClinVar:

ClinVar aggregate classification (germline): Uncertain significance (1 of 4 stars; one submission).

Submission:

Labcorp Genetics (formerly Invitae), Labcorp
Classification: Uncertain significance. Last evaluated: 2024-08-30. Review status: criteria provided, single submitter. Criteria: Invitae Variant Classification Sherloc (09022015). Collection method: clinical testing. Allele origin: germline.
Comment: This sequence change replaces glycine, which is neutral and non-polar, with tryptophan, which is neutral and slightly polar, at codon 1179 of the GREB1L protein (p.Gly1179Trp). This variant is not present in population databases (gnomAD no frequency). This variant has not been reported in the literature in individuals affected with GREB1L-related conditions. An algorithm developed to predict the effect of missense changes on protein structure and function (PolyPhen-2) suggests that this variant is likely to be disruptive. In summary, the available evidence is currently insufficient to determine the role of this variant in disease. Therefore, it has been classified as a Variant of Uncertain Significance.

NM_001142966.3(GREB1L):c.3535G>T (p.Gly1179Trp)

Gene: GREB1L (GREB1 like retinoic acid receptor coactivator; plus strand). Cytogenetic location: 18q11.1.
Variant type: single nucleotide variant.
Coding change: c.3535G>T on transcript NM_001142966.3 (MANE Select); coding-DNA position 3535, G replaced by T.
Protein change: p.Gly1179Trp; replaces glycine 1179 with tryptophan.
Molecular consequence: missense variant.
Genome position (GRCh38, 1-based): chr18:21,499,872, G>T. VCF-style: chr18-21499872-G-T. GRCh37 (hg19) VCF-style: chr18-19079833-G-T.
Other names: c.3664G>T, p.Gly1222Trp (NM_001410867.1); c.3208G>T, p.Gly1070Trp (NM_001410868.1); short protein forms G1179W, G1222W, G1070W.
Identifiers: ClinVar variation 3662187 (VCV003662187.2).